The following is an entry in ClinVar:

ClinVar aggregate classification (germline): Likely benign (1 of 4 stars; one submission).

gnomAD v4.1: 2 of 1,571,226 alleles (0.00013%); highest among the groups gnomAD compares: Non-Finnish European, 0.00017%; no homozygotes.

Submission:

CeGaT Center for Human Genetics Tuebingen
Classification: Likely benign. Last evaluated: 2023-01-01. Review status: criteria provided, single submitter. Criteria: CeGaT Center For Human Genetics Tuebingen Variant Classification Criteria Version 2. Collection method: clinical testing. Allele origin: germline. Affected: yes. Observed: 1 variant allele.
Comment: MKI67: PM2:Supporting, BP4, BP7

NM_002417.5(MKI67):c.2301G>T (p.Pro767=)

Gene: MKI67 (marker of proliferation Ki-67; minus strand). Cytogenetic location: 10q26.2.
Variant type: single nucleotide variant.
Coding change: c.2301G>T on transcript NM_002417.5 (MANE Select); coding-DNA position 2301, G replaced by T.
Protein change: p.Pro767=; no amino-acid change (proline 767 retained).
Molecular consequence: synonymous variant.
Genome position (GRCh38, 1-based): chr10:128,110,493, C>A on the plus strand (G>T on the coding strand, the complement: MKI67 is on the minus strand). VCF-style: chr10-128110493-C-A. GRCh37 (hg19) VCF-style: chr10-129908757-C-A.
Other names: c.1221G>T, p.Pro407= (NM_001145966.2).
Identifiers: ClinVar variation 2640968 (VCV002640968.24), dbSNP rs763613616, ClinGen allele CA471815290.